The following is an entry in ClinVar:

NM_001164665.2(KIAA1549):c.5123C>T (p.Ala1708Val)

Gene: KIAA1549 (KIAA1549; minus strand). Cytogenetic location: 7q34.
Variant type: single nucleotide variant.
Coding change: c.5123C>T on transcript NM_001164665.2 (MANE Select); coding-DNA position 5123, C replaced by T.
Protein change: p.Ala1708Val; replaces alanine 1708 with valine.
Molecular consequence: missense variant.
Genome position (GRCh38, 1-based): chr7:138,861,263, G>A on the plus strand (C>T on the coding strand, the complement: KIAA1549 is on the minus strand). VCF-style: chr7-138861263-G-A. GRCh37 (hg19) VCF-style: chr7-138546009-G-A.
Other names: c.5123C>T, p.Ala1708Val (NM_020910.3); c.5123C>T (NM_001164665.1); short protein forms A1708V.
Identifiers: ClinVar variation 1059068 (VCV001059068.7), dbSNP rs1810564621, ClinGen allele CA369393745.

ClinVar aggregate classification (germline): Uncertain significance. Review status: criteria provided, multiple submitters, no conflicts (2 of 4 stars). 2 submissions from 2 submitters: Uncertain significance (2). Last evaluated 2025-06-24.

Conditions:
Inborn genetic diseases. Identifiers: MedGen C0950123, MeSH D030342.

Allele frequency attached by ClinVar (database versions not stated): gnomAD exomes below 0.00001; gnomAD 0.00001; TOPMed 0.00003.
gnomAD v4.1: 7 of 1,609,310 alleles (0.00043%); highest among the groups gnomAD compares: Non-Finnish European, 0.00059%; no homozygotes.

Submissions (2):

Ambry Genetics
Classification: Uncertain significance for Inborn genetic diseases. Last evaluated: 2025-06-24. Review status: criteria provided, single submitter. Criteria: Ambry Variant Classification Scheme 2023. Collection method: clinical testing. Allele origin: germline.

Labcorp Genetics (formerly Invitae), Labcorp
Classification: Uncertain significance. Last evaluated: 2022-09-27. Review status: criteria provided, single submitter. Criteria: Invitae Variant Classification Sherloc (09022015). Collection method: clinical testing. Allele origin: germline.
Comment: In summary, the available evidence is currently insufficient to determine the role of this variant in disease. Therefore, it has been classified as a Variant of Uncertain Significance. Algorithms developed to predict the effect of sequence changes on RNA splicing suggest that this variant may create or strengthen a splice site. Algorithms developed to predict the effect of missense changes on protein structure and function output the following: SIFT: "Tolerated"; PolyPhen-2: "Benign"; Align-GVGD: "Class C0". The valine amino acid residue is found in multiple mammalian species, which suggests that this missense change does not adversely affect protein function. ClinVar contains an entry for this variant (Variation ID: 1059068). This variant has not been reported in the literature in individuals affected with KIAA1549-related conditions. This variant is not present in population databases (gnomAD no frequency). This sequence change replaces alanine, which is neutral and non-polar, with valine, which is neutral and non-polar, at codon 1708 of the KIAA1549 protein (p.Ala1708Val).